The following is an entry in ClinVar:

ClinVar aggregate classification (germline): Uncertain significance (1 of 4 stars; one submission).

Conditions:
Developmental and epileptic encephalopathy, 23 (DEE23). Also called: Epileptic encephalopathy, early infantile, 23. Identifiers: Orphanet 411986, MedGen C4014492, MONDO:0014371, OMIM 615859.

Allele frequency attached by ClinVar (database versions not stated): gnomAD exomes below 0.00001; ExAC 0.00001; ESP Exome Variant Server 0.00008.

Submission:

Labcorp Genetics (formerly Invitae), Labcorp
Classification: Uncertain significance for Developmental and epileptic encephalopathy, 23. Last evaluated: 2025-12-01. Review status: criteria provided, single submitter. Criteria: Invitae Variant Classification Sherloc (09022015). Collection method: clinical testing. Allele origin: germline.
Comment: This sequence change replaces leucine, which is neutral and non-polar, with proline, which is neutral and non-polar, at codon 813 of the DOCK7 protein (p.Leu813Pro). This variant is present in population databases (rs373053974, gnomAD 0.007%). This variant has not been reported in the literature in individuals affected with DOCK7-related conditions. ClinVar contains an entry for this variant (Variation ID: 862361). Invitae Evidence Modeling of protein sequence and biophysical properties (such as structural, functional, and spatial information, amino acid conservation, physicochemical variation, residue mobility, and thermodynamic stability) indicates that this missense variant is not expected to disrupt DOCK7 protein function with a negative predictive value of 80%. In summary, the available evidence is currently insufficient to determine the role of this variant in disease. Therefore, it has been classified as a Variant of Uncertain Significance.

NM_001367561.1(DOCK7):c.2438T>C (p.Leu813Pro)

Gene: DOCK7 (dedicator of cytokinesis 7; minus strand). Cytogenetic location: 1p31.3.
Variant type: single nucleotide variant.
Coding change: c.2438T>C on transcript NM_001367561.1 (MANE Select); coding-DNA position 2438, T replaced by C.
Protein change: p.Leu813Pro; replaces leucine 813 with proline.
Molecular consequence: missense variant.
Genome position (GRCh38, 1-based): chr1:62,555,983, A>G on the plus strand (T>C on the coding strand, the complement: DOCK7 is on the minus strand). VCF-style: chr1-62555983-A-G. GRCh37 (hg19) VCF-style: chr1-63021654-A-G.
Other names: c.2438T>C, p.Leu813Pro (NM_001271999.2, NM_001272000.2, NM_001272001.2 and 2 more transcripts); short protein forms L813P.
Identifiers: ClinVar variation 862361 (VCV000862361.8), dbSNP rs373053974, ClinGen allele CA886263.
Genomic context (GRCh38, chr1:62,555,983, plus strand): 5'-TCCAAGTTTTTGTGAAGTCGATTTATAATTGATGCCATGGCTTCAAAAGATGCTTGACCT[A>G]GGTTAACTTTTAAGAAAGAAGAAGTATTTACCTTTGCTTTAACTTTTTTTAGACTGTAAA-3'
Protein context (NP_001354490.1, residues 803-823): PPVIAGQIVN[Leu813Pro]GQASFEAMAS